The following is an entry in ClinVar:

ClinVar aggregate classification (germline): Likely benign. Review status: reviewed by expert panel (3 of 4 stars). 2 submissions from 2 submitters: Likely benign (1). 1 of the submissions does not count toward it. Last evaluated 2023-09-07.

Conditions:
Glanzmann thrombasthenia. Also called: PLATELET GLYCOPROTEIN IIb-IIIa DEFICIENCY; Thrombasthenia; Glanzmann's thrombasthenia; BLEEDING DISORDER, PLATELET-TYPE, 2; THROMBASTHENIA OF GLANZMANN AND NAEGELI. Identifiers: Orphanet 849, MedGen C0040015, MONDO:0100326.

Submissions (2):

ClinGen Platelet Disorders Variant Curation Expert Panel, ClinGen
Classification: Likely benign for Glanzmann thrombasthenia. Last evaluated: 2023-09-07. Review status: reviewed by expert panel. Criteria: ClinGen Platelet ACMG Specifications v2-1. Collection method: curation. Allele origin: germline. Inheritance: Autosomal recessive inheritance.
Comment: The c.1014G>A variant is a synonymous (silent) variant (p.Leu338=) that is not predicted by SpliceAI to impact splicing (BP4). In addition, it occurs at a nucleotide that is not conserved as shown by phyloP score of 1.464 (BP7). It was identified as part of a predisposition screen in an ostensibly healthy population and has not been reported in association with Glanzmann Thrombasthenia in the literature. This variant was not reported in the GT database or HGMD. This variant is absent from gnomAD v2.1.1 (PM2_Supporting). In summary, this variant is classified as likely benign for autosomal recessive Glanzmann Thrombasthenia based on the ACMG/AMP criteria applied, as specified by the ClinGen PD-VCEP: PM2_supporting, BP4, BP7. (VCEP specifications version 2; date of approval)

Illumina Laboratory Services, Illumina
Classification: Uncertain significance for Glanzmann thrombasthenia 1. Last evaluated: 2018-01-12. Review status: criteria provided, single submitter. Criteria: ICSL Variant Classification Criteria 13 December 2019. Collection method: clinical testing. Allele origin: germline. Not counted in ClinVar's aggregate classification.

NM_000419.5(ITGA2B):c.1014G>A (p.Leu338=)

Gene: ITGA2B (integrin subunit alpha 2b; minus strand). Cytogenetic location: 17q21.31.
Variant type: single nucleotide variant.
Coding change: c.1014G>A on transcript NM_000419.5 (MANE Select); coding-DNA position 1014, G replaced by A.
Protein change: p.Leu338=; no amino-acid change (leucine 338 retained).
Molecular consequence: synonymous variant.
Genome position (GRCh38, 1-based): chr17:44,383,689, C>T on the plus strand (G>A on the coding strand, the complement: ITGA2B is on the minus strand). VCF-style: chr17-44383689-C-T. GRCh37 (hg19) VCF-style: chr17-42461057-C-T.
Other names: NM_000419.5(ITGA2B):c.1014G>A; p.Leu338=; c.1014G>A (LRG_479t1).
Identifiers: ClinVar variation 323559 (VCV000323559.5), dbSNP rs886053007, ClinGen allele CA10639817.